The following is an entry in ClinVar:

ClinVar aggregate classification (germline): Pathogenic. Review status: criteria provided, multiple submitters, no conflicts (2 of 4 stars). 2 submissions from 2 submitters: Pathogenic (2). Last evaluated 2023-10-12.

Conditions:
Hereditary cancer-predisposing syndrome. Also called: Neoplastic Syndromes, Hereditary; Tumor predisposition; Hereditary neoplastic syndrome; Hereditary Cancer Syndrome. Identifiers: Orphanet 140162, MedGen C0027672, MeSH D009386, MONDO:0015356.
Hereditary breast ovarian cancer syndrome. Also called: Hereditary breast and ovarian cancer syndrome; Hereditary breast and ovarian cancer; Hereditary breast and ovarian cancer syndrome (HBOC); Breast and ovarian cancer; Hereditary breast and/or ovarian cancer syndrome; BRCA1- and BRCA2-Associated Hereditary Breast and Ovarian Cancer. Identifiers: Orphanet 145, MedGen C0677776, MeSH D061325, MONDO:0003582. Disease mechanism: loss of function.

Submissions (2):

Ambry Genetics
Classification: Pathogenic for Hereditary cancer-predisposing syndrome. Last evaluated: 2023-10-12. Review status: criteria provided, single submitter. Criteria: Ambry Variant Classification Scheme 2023. Collection method: clinical testing. Allele origin: germline.
Comment: The c.8268delA pathogenic mutation, located in coding exon 17 of the BRCA2 gene, results from a deletion of one nucleotide at nucleotide position 8268, causing a translational frameshift with a predicted alternate stop codon (p.E2757Nfs*20). This variant is considered to be rare based on population cohorts in the Genome Aggregation Database (gnomAD). This alteration is expected to result in loss of function by premature protein truncation or nonsense-mediated mRNA decay. As such, this alteration is interpreted as a disease-causing mutation.

Labcorp Genetics (formerly Invitae), Labcorp
Classification: Pathogenic for Hereditary breast ovarian cancer syndrome. Last evaluated: 2023-04-04. Review status: criteria provided, single submitter. Criteria: Invitae Variant Classification Sherloc (09022015). Collection method: clinical testing. Allele origin: germline.
Comment: This sequence change creates a premature translational stop signal (p.Glu2757Asnfs*20) in the BRCA2 gene. It is expected to result in an absent or disrupted protein product. Loss-of-function variants in BRCA2 are known to be pathogenic (PMID: 20104584). This variant is not present in population databases (gnomAD no frequency). This variant has not been reported in the literature in individuals affected with BRCA2-related conditions. ClinVar contains an entry for this variant (Variation ID: 827543). For these reasons, this variant has been classified as Pathogenic.

Literature cited by the submitters: PubMed 20104584 (cited by Labcorp Genetics (formerly Invitae), Labcorp).

NM_000059.4(BRCA2):c.8268del (p.Glu2757fs)

Gene: BRCA2 (BRCA2 DNA repair associated; plus strand). Cytogenetic location: 13q13.1.
Variant type: Deletion.
Coding change: c.8268del on transcript NM_000059.4 (MANE Select); coding-DNA position 8268, one base deleted (A; older notation c.8268delA).
Protein change: p.Glu2757fs; shifts the reading frame from glutamic acid 2757.
Molecular consequence: frameshift variant.
Genome position (GRCh38, 1-based): chr13:32,363,470, A deleted. VCF-style (leftmost placement, unchanged base first): chr13-32363469-CA-C. GRCh37 (hg19) VCF-style: chr13-32937606-CA-C.
Other names: short protein forms E2757fs.
Identifiers: ClinVar variation 827543 (VCV000827543.10), dbSNP rs1593925596, ClinGen allele CA915946891.